The following is an entry in ClinVar:

NM_006231.4(POLE):c.6305T>C (p.Leu2102Pro)

Gene: POLE (DNA polymerase epsilon, catalytic subunit; minus strand). Cytogenetic location: 12q24.33.
Variant type: single nucleotide variant.
Coding change: c.6305T>C on transcript NM_006231.4 (MANE Select); coding-DNA position 6305, T replaced by C.
Protein change: p.Leu2102Pro; replaces leucine 2102 with proline.
Molecular consequence: missense variant.
Genome position (GRCh38, 1-based): chr12:132,632,340, A>G on the plus strand (T>C on the coding strand, the complement: POLE is on the minus strand). VCF-style: chr12-132632340-A-G. GRCh37 (hg19) VCF-style: chr12-133208926-A-G.
Other names: c.6305T>C (NM_006231.2); short protein forms L2102P.
Identifiers: ClinVar variation 1430104 (VCV001430104.7), dbSNP rs2138459497, ClinGen allele CA387369273.

ClinVar aggregate classification (germline): Uncertain significance. Review status: criteria provided, multiple submitters, no conflicts (2 of 4 stars). 2 submissions from 2 submitters: Uncertain significance (2). Last evaluated 2024-06-22.

Conditions:
Hereditary cancer-predisposing syndrome. Also called: Hereditary Cancer Syndrome; Hereditary neoplastic syndrome; Neoplastic Syndromes, Hereditary; Tumor predisposition. Identifiers: Orphanet 140162, MedGen C0027672, MeSH D009386, MONDO:0015356.

Submissions (2):

Ambry Genetics
Classification: Uncertain significance for Hereditary cancer-predisposing syndrome. Last evaluated: 2024-06-22. Review status: criteria provided, single submitter. Criteria: Ambry Variant Classification Scheme 2023. Collection method: clinical testing. Allele origin: germline.
Comment: The p.L2102P variant (also known as c.6305T>C), located in coding exon 45 of the POLE gene, results from a T to C substitution at nucleotide position 6305. The leucine at codon 2102 is replaced by proline, an amino acid with similar properties. This amino acid position is conserved. In addition, this alteration is predicted to be deleterious by in silico analysis. Based on the available evidence, the clinical significance of this variant remains unclear.

Labcorp Genetics (formerly Invitae), Labcorp
Classification: Uncertain significance. Last evaluated: 2021-11-22. Review status: criteria provided, single submitter. Criteria: Invitae Variant Classification Sherloc (09022015). Collection method: clinical testing. Allele origin: germline.
Comment: In summary, the available evidence is currently insufficient to determine the role of this variant in disease. Therefore, it has been classified as a Variant of Uncertain Significance. Algorithms developed to predict the effect of missense changes on protein structure and function (SIFT, PolyPhen-2, Align-GVGD) all suggest that this variant is likely to be disruptive. This variant has not been reported in the literature in individuals affected with POLE-related conditions. This variant is not present in population databases (gnomAD no frequency). This sequence change replaces leucine, which is neutral and non-polar, with proline, which is neutral and non-polar, at codon 2102 of the POLE protein (p.Leu2102Pro).